The following is an entry in ClinVar:

NM_007294.4(BRCA1):c.1574T>G (p.Val525Gly)

Gene: BRCA1 (BRCA1 DNA repair associated; minus strand). Cytogenetic location: 17q21.31.
Variant type: single nucleotide variant.
Coding change: c.1574T>G on transcript NM_007294.4 (MANE Select); coding-DNA position 1574, T replaced by G.
Protein change: p.Val525Gly; replaces valine 525 with glycine.
Molecular consequence: missense variant. On other transcripts: intron variant (137).
Genome position (GRCh38, 1-based): chr17:43,093,957, A>C on the plus strand (T>G on the coding strand, the complement: BRCA1 is on the minus strand). VCF-style: chr17-43093957-A-C. GRCh37 (hg19) VCF-style: chr17-41245974-A-C.
Other names: c.1574T>G, p.Val525Gly (NM_001407597.1, NM_001407598.1, NM_001407602.1 and 30 more transcripts); c.451+787T>G (NM_001408508.1, NM_001408509.1); c.574+787T>G (NM_001408491.1, NM_001408493.1, NM_001408490.1); c.460+1889T>G (NM_001408506.1, NM_001408507.1); c.577+787T>G (NM_001408481.1, NM_001408480.1, NM_001408492.1 and 9 more transcripts); c.778+787T>G (NM_001408408.1); c.661+787T>G (NM_001408446.1, NM_001408435.1, NM_001408445.1 and 6 more transcripts); c.784+787T>G (NM_001408401.1, NM_001408396.1, NM_001407985.1 and 13 more transcripts); and 40 more; short protein forms V397G, V457G, V229G, V436G, V454G, V478G, V483G, V484G.
Identifiers: ClinVar variation 4215083 (VCV004215083.1).
Genomic context (GRCh38, chr17:43,093,957, plus strand): 5'-ACTTGACCATTCTGCTCCGTTTGGTTAGTTCCCTGATTTATCATTTCAGGAGTCTTTTGA[A>C]CTGCCAAATCTGCTTTCTTGATAAAATCCTCAGGATGAAGGCCTGATGTAGGTCTCCTTT-3'
Protein context (NP_009225.1, residues 515-535): EDFIKKADLA[Val525Gly]QKTPEMINQG

ClinVar aggregate classification (germline): Uncertain significance (1 of 4 stars; one submission).

Conditions:
Hereditary cancer-predisposing syndrome. Also called: Neoplastic Syndromes, Hereditary; Tumor predisposition; Hereditary Cancer Syndrome; Hereditary neoplastic syndrome. Identifiers: Orphanet 140162, MedGen C0027672, MeSH D009386, MONDO:0015356.

Submission:

Ambry Genetics
Classification: Uncertain significance for Hereditary cancer-predisposing syndrome. Last evaluated: 2025-07-12. Review status: criteria provided, single submitter. Criteria: Ambry Variant Classification Scheme 2023. Collection method: clinical testing. Allele origin: germline.
Comment: The p.V525G variant (also known as c.1574T>G), located in coding exon 9 of the BRCA1 gene, results from a T to G substitution at nucleotide position 1574. The valine at codon 525 is replaced by glycine, an amino acid with dissimilar properties. This amino acid position is conserved. In addition, this alteration is predicted to be deleterious by in silico analysis. Based on the available evidence, the clinical significance of this variant remains unclear.